The following is an entry in ClinVar:

ClinVar aggregate classification (germline): Pathogenic/Likely pathogenic. Review status: criteria provided, multiple submitters, no conflicts (2 of 4 stars). 3 submissions from 3 submitters: Pathogenic (1); Likely pathogenic (2). Last evaluated 2025-04-18.

Conditions:
TUBGCP6-related disorder. Also called: TUBGCP6-related condition.

Allele frequency attached by ClinVar (database versions not stated): gnomAD exomes 0.00001; TOPMed 0.00001.
gnomAD v4.1: 15 of 1,586,900 alleles (0.00095%); highest among the groups gnomAD compares: Admixed American, 0.0018%; no homozygotes.

Submissions (3):

Labcorp Genetics (formerly Invitae), Labcorp
Classification: Pathogenic. Last evaluated: 2025-04-18. Review status: criteria provided, single submitter. Criteria: Invitae Variant Classification Sherloc (09022015). Collection method: clinical testing. Allele origin: germline.
Comment: This sequence change creates a premature translational stop signal (p.Gln507*) in the TUBGCP6 gene. It is expected to result in an absent or disrupted protein product. Loss-of-function variants in TUBGCP6 are known to be pathogenic (PMID: 25344692). The frequency data for this variant in the population databases is considered unreliable, as metrics indicate poor data quality at this position in the gnomAD database. This variant has not been reported in the literature in individuals affected with TUBGCP6-related conditions. ClinVar contains an entry for this variant (Variation ID: 620295). For these reasons, this variant has been classified as Pathogenic.

Blueprint Genetics
Classification: Likely pathogenic for TUBGCP6-related disorders. Last evaluated: 2021-11-09. Review status: criteria provided, single submitter. Criteria: ACMG Guidelines, 2015. Collection method: clinical testing. Allele origin: germline. Affected: yes. Observed: 2 variant alleles.

GeneDx
Classification: Likely pathogenic. Last evaluated: 2019-06-06. Review status: criteria provided, single submitter. Criteria: GeneDx Variant Classification Process June 2021. Collection method: clinical testing. Allele origin: germline. Affected: yes.
Comment: Nonsense variant predicted to result in protein truncation or nonsense mediated decay in a gene for which loss-of-function is a known mechanism of disease; Not observed at a significant frequency in large population cohorts (Lek et al., 2016); Has not been previously published as pathogenic or benign to our knowledge

Literature cited by the submitters: PubMed 25344692 (cited by Labcorp Genetics (formerly Invitae), Labcorp).

NM_020461.4(TUBGCP6):c.1519C>T (p.Gln507Ter)

Gene: TUBGCP6 (tubulin gamma complex component 6; minus strand). Cytogenetic location: 22q13.33.
Variant type: single nucleotide variant.
Coding change: c.1519C>T on transcript NM_020461.4 (MANE Select); coding-DNA position 1519, C replaced by T.
Protein change: p.Gln507Ter; replaces glutamine 507 with a stop codon.
Molecular consequence: nonsense.
Genome position (GRCh38, 1-based): chr22:50,226,815, G>A on the plus strand (C>T on the coding strand, the complement: TUBGCP6 is on the minus strand). VCF-style: chr22-50226815-G-A. GRCh37 (hg19) VCF-style: chr22-50665244-G-A.
Other names: short protein forms Q507*.
Identifiers: ClinVar variation 620295 (VCV000620295.7), dbSNP rs1260456579, ClinGen allele CA412107010.